The following is an entry in ClinVar:

ClinVar aggregate classification (germline): Uncertain significance (1 of 4 stars; one submission).

Conditions:
Alstrom syndrome (ALMS). Identifiers: Orphanet 64, MedGen C0268425, MONDO:0008763, OMIM 203800.

Allele frequency attached by ClinVar (database versions not stated): gnomAD exomes below 0.00001; TOPMed below 0.00001; gnomAD 0.00001.
gnomAD v4.1: 3 of 1,614,030 alleles (0.00019%); highest among the groups gnomAD compares: Non-Finnish European, 0.00025%; no homozygotes.

Submission:

Labcorp Genetics (formerly Invitae), Labcorp
Classification: Uncertain significance for Alstrom syndrome. Last evaluated: 2022-04-15. Review status: criteria provided, single submitter. Criteria: Invitae Variant Classification Sherloc (09022015). Collection method: clinical testing. Allele origin: germline.
Comment: This sequence change replaces valine, which is neutral and non-polar, with isoleucine, which is neutral and non-polar, at codon 3048 of the ALMS1 protein (p.Val3048Ile). This variant is present in population databases (no rsID available, gnomAD 0.0009%). This variant has not been reported in the literature in individuals affected with ALMS1-related conditions. Experimental studies and prediction algorithms are not available or were not evaluated, and the functional significance of this variant is currently unknown. In summary, the available evidence is currently insufficient to determine the role of this variant in disease. Therefore, it has been classified as a Variant of Uncertain Significance.

NM_001378454.1(ALMS1):c.9139G>A (p.Val3047Ile)

Gene: ALMS1 (ALMS1 centrosome and basal body associated protein; plus strand). Cytogenetic location: 2p13.1.
Variant type: single nucleotide variant.
Coding change: c.9139G>A on transcript NM_001378454.1 (MANE Select); coding-DNA position 9139, G replaced by A.
Protein change: p.Val3047Ile; replaces valine 3047 with isoleucine.
Molecular consequence: missense variant.
Genome position (GRCh38, 1-based): chr2:73,491,098, G>A. VCF-style: chr2-73491098-G-A. GRCh37 (hg19) VCF-style: chr2-73718225-G-A.
Other names: c.9142G>A, p.Val3048Ile (NM_015120.4); short protein forms V3048I, V3047I.
Identifiers: ClinVar variation 1962899 (VCV001962899.2), dbSNP rs1235848398, ClinGen allele CA347273233.